The following is an entry in ClinVar:

ClinVar aggregate classification (germline): Uncertain significance. Review status: criteria provided, multiple submitters, no conflicts (2 of 4 stars). 3 submissions from 3 submitters: Uncertain significance (3). Last evaluated 2025-12-21.

Conditions:
Hereditary cancer-predisposing syndrome. Also called: Neoplastic Syndromes, Hereditary; Tumor predisposition; Hereditary neoplastic syndrome; Hereditary Cancer Syndrome. Identifiers: Orphanet 140162, MedGen C0027672, MeSH D009386, MONDO:0015356.
Microcephaly, normal intelligence and immunodeficiency (NBS). Also called: Immunodeficiency, microcephaly with normal intelligence; SEEMANOVA SYNDROME II; IMMUNODEFICIENCY, MICROCEPHALY, AND CHROMOSOMAL INSTABILITY; BERLIN BREAKAGE SYNDROME; Nijmegen breakage syndrome; Microcephaly with normal intelligence immunodeficiency and lymphoreticular malignancies. Identifiers: Orphanet 647, MedGen C0398791, MONDO:0009623, OMIM 251260.

Submissions (3):

Ambry Genetics
Classification: Uncertain significance for Hereditary cancer-predisposing syndrome. Last evaluated: 2025-12-21. Review status: criteria provided, single submitter. Criteria: Ambry Variant Classification Scheme 2023. Collection method: clinical testing. Allele origin: germline.
Comment: The p.K29R variant (also known as c.86A>G), located in coding exon 2 of the NBN gene, results from an A to G substitution at nucleotide position 86. The lysine at codon 29 is replaced by arginine, an amino acid with highly similar properties. This amino acid position is highly conserved in available vertebrate species. In addition, the in silico prediction for this alteration is inconclusive. Since supporting evidence is limited at this time, the clinical significance of this alteration remains unclear.

Labcorp Genetics (formerly Invitae), Labcorp
Classification: Uncertain significance for Microcephaly, normal intelligence and immunodeficiency. Last evaluated: 2024-10-22. Review status: criteria provided, single submitter. Criteria: Invitae Variant Classification Sherloc (09022015). Collection method: clinical testing. Allele origin: germline.
Comment: This sequence change replaces lysine, which is basic and polar, with arginine, which is basic and polar, at codon 29 of the NBN protein (p.Lys29Arg). This variant is not present in population databases (gnomAD no frequency). This variant has not been reported in the literature in individuals affected with NBN-related conditions. ClinVar contains an entry for this variant (Variation ID: 461585). An algorithm developed to predict the effect of missense changes on protein structure and function (PolyPhen-2) suggests that this variant is likely to be disruptive. In summary, the available evidence is currently insufficient to determine the role of this variant in disease. Therefore, it has been classified as a Variant of Uncertain Significance.

Genome-Nilou Lab
Classification: Uncertain significance for Microcephaly, normal intelligence and immunodeficiency. Last evaluated: 2021-11-07. Review status: criteria provided, single submitter. Criteria: ACMG Guidelines, 2015. Collection method: clinical testing. Allele origin: germline. Affected: no.

NM_002485.5(NBN):c.86A>G (p.Lys29Arg)

Gene: NBN (nibrin; minus strand). Cytogenetic location: 8q21.3.
Variant type: single nucleotide variant.
Coding change: c.86A>G on transcript NM_002485.5 (MANE Select); coding-DNA position 86, A replaced by G.
Protein change: p.Lys29Arg; replaces lysine 29 with arginine.
Molecular consequence: missense variant. On other transcripts: 5 prime UTR variant (1).
Genome position (GRCh38, 1-based): chr8:89,982,807, T>C on the plus strand (A>G on the coding strand, the complement: NBN is on the minus strand). VCF-style: chr8-89982807-T-C. GRCh37 (hg19) VCF-style: chr8-90995035-T-C.
Other names: c.-211A>G (NM_001024688.3); short protein forms K29R.
Identifiers: ClinVar variation 461585 (VCV000461585.17), dbSNP rs1554569112, ClinGen allele CA371663405.
Genomic context (GRCh38, chr8:89,982,807, plus strand): 5'-GTTAACACAGCATGATTTCGGCTGATCGACTGATCATTTTCAATCAGAATGGCACAGTTT[T>C]TCCTTCCAACAACGTACTCAACGCCAGTCAAAAGTCTGTATGGTTCTCCTGAGATAAATT-3'
Protein context (NP_002476.2, residues 19-39): LTGVEYVVGR[Lys29Arg]NCAILIENDQ